The following is an entry in ClinVar:

NM_004006.3(DMD):c.960+3C>G

Gene: DMD (dystrophin; minus strand). Cytogenetic location: Xp21.1.
Variant type: single nucleotide variant.
Coding change: c.960+3C>G on transcript NM_004006.3 (MANE Select); 3 bases into the intron after coding-DNA position 960, C replaced by G.
Molecular consequence: intron variant.
Genome position (GRCh38, 1-based): chrX:32,697,867, G>C on the plus strand (C>G on the coding strand, the complement: DMD is on the minus strand). VCF-style: chrX-32697867-G-C. GRCh37 (hg19) VCF-style: chrX-32715984-G-C.
Other names: c.936+3C>G (NM_000109.4); c.948+3C>G (NM_004009.3); c.591+3C>G (NM_004010.3).
Identifiers: ClinVar variation 2036182 (VCV002036182.4), dbSNP rs2521093327, ClinGen allele CA2580100731.

ClinVar aggregate classification (germline): Uncertain significance (1 of 4 stars; one submission).

Conditions:
Duchenne muscular dystrophy (DMD). Also called: MUSCULAR DYSTROPHY, PSEUDOHYPERTROPHIC PROGRESSIVE, DUCHENNE TYPE; Duchenne Muscular Dystrophy (DMD). Identifiers: Orphanet 98896, MedGen C0013264, MONDO:0010679, OMIM 310200.

Submission:

Labcorp Genetics (formerly Invitae), Labcorp
Classification: Uncertain significance for Duchenne muscular dystrophy. Last evaluated: 2024-04-05. Review status: criteria provided, single submitter. Criteria: Invitae Variant Classification Sherloc (09022015). Collection method: clinical testing. Allele origin: germline.
Comment: This sequence change falls in intron 9 of the DMD gene. It does not directly change the encoded amino acid sequence of the DMD protein. It affects a nucleotide within the consensus splice site. This variant is not present in population databases (gnomAD no frequency). This variant has not been reported in the literature in individuals affected with DMD-related conditions. ClinVar contains an entry for this variant (Variation ID: 2036182). Variants that disrupt the consensus splice site are a relatively common cause of aberrant splicing (PMID: 17576681, 9536098). Algorithms developed to predict the effect of sequence changes on RNA splicing suggest that this variant is not likely to affect RNA splicing. In summary, the available evidence is currently insufficient to determine the role of this variant in disease. Therefore, it has been classified as a Variant of Uncertain Significance.

Literature cited by the submitters: PubMed 17576681; PubMed 9536098.